The following is an entry in ClinVar:

NM_001142800.2(EYS):c.7899C>G (p.Tyr2633Ter)

Gene: EYS (EGF-like photoreceptor maintenance factor; minus strand). Cytogenetic location: 6q12.
Variant type: single nucleotide variant.
Coding change: c.7899C>G on transcript NM_001142800.2 (MANE Select); coding-DNA position 7899, C replaced by G.
Protein change: p.Tyr2633Ter; replaces tyrosine 2633 with a stop codon.
Molecular consequence: nonsense.
Genome position (GRCh38, 1-based): chr6:63,762,633, G>C on the plus strand (C>G on the coding strand, the complement: EYS is on the minus strand). VCF-style: chr6-63762633-G-C. GRCh37 (hg19) VCF-style: chr6-64472526-G-C.
Other names: c.7899C>G, p.Tyr2633Ter (NM_001292009.2); short protein forms Y2633*.
Identifiers: ClinVar variation 4717506 (VCV004717506.1).

ClinVar aggregate classification (germline): Pathogenic (1 of 4 stars; one submission).

gnomAD v4.1: 1 of 1,549,364 alleles (0.000065%); highest among the groups gnomAD compares: Non-Finnish European, 0.000087%; no homozygotes.

Submission:

Labcorp Genetics (formerly Invitae), Labcorp
Classification: Pathogenic. Last evaluated: 2025-04-14. Review status: criteria provided, single submitter. Criteria: Invitae Variant Classification Sherloc (09022015). Collection method: clinical testing. Allele origin: germline.
Comment: This sequence change creates a premature translational stop signal (p.Tyr2633*) in the EYS gene. It is expected to result in an absent or disrupted protein product. Loss-of-function variants in EYS are known to be pathogenic (PMID: 18836446, 20333770). This variant is not present in population databases (gnomAD no frequency). This variant has not been reported in the literature in individuals affected with EYS-related conditions. For these reasons, this variant has been classified as Pathogenic.

Literature cited by the submitters: PubMed 18836446; PubMed 20333770.